The following is an entry in ClinVar:

ClinVar aggregate classification (germline): Uncertain significance. Review status: criteria provided, multiple submitters, no conflicts (2 of 4 stars). 3 submissions from 3 submitters: Uncertain significance (3). Last evaluated 2025-10-01.

Conditions:
Hereditary cancer-predisposing syndrome. Also called: Tumor predisposition; Hereditary neoplastic syndrome; Neoplastic Syndromes, Hereditary; Hereditary Cancer Syndrome. Identifiers: Orphanet 140162, MedGen C0027672, MeSH D009386, MONDO:0015356.
Familial adenomatous polyposis 1 (FAP1). Also called: FAMILIAL ADENOMATOUS POLYPOSIS 1, ATTENUATED; POLYPOSIS, ADENOMATOUS INTESTINAL. Identifiers: MedGen C2713442, MONDO:0021056, OMIM 175100. Disease mechanism: loss of function.

Allele frequency attached by ClinVar (database versions not stated): gnomAD exomes below 0.00001; ExAC 0.00001; gnomAD 0.00001; 1000 Genomes Project 30x 0.00016; 1000 Genomes Project 0.00020.
gnomAD v4.1: 1 of 1,613,974 alleles (0.000062%); highest among the groups gnomAD compares: Non-Finnish European, 0.000085%; no homozygotes.

Submissions (3):

Labcorp Genetics (formerly Invitae), Labcorp
Classification: Uncertain significance for Familial adenomatous polyposis 1. Last evaluated: 2025-10-01. Review status: criteria provided, single submitter. Criteria: Invitae Variant Classification Sherloc (09022015). Collection method: clinical testing. Allele origin: germline.
Comment: This sequence change replaces threonine, which is neutral and polar, with alanine, which is neutral and non-polar, at codon 1261 of the APC protein (p.Thr1261Ala). This variant is present in population databases (rs199792739, gnomAD 0.0009%). This variant has not been reported in the literature in individuals affected with APC-related conditions. ClinVar contains an entry for this variant (Variation ID: 844570). Invitae Evidence Modeling of protein sequence and biophysical properties (such as structural, functional, and spatial information, amino acid conservation, physicochemical variation, residue mobility, and thermodynamic stability) indicates that this missense variant is not expected to disrupt APC protein function with a negative predictive value of 95%. In summary, the available evidence is currently insufficient to determine the role of this variant in disease. Therefore, it has been classified as a Variant of Uncertain Significance.

Ambry Genetics
Classification: Uncertain significance for Hereditary cancer-predisposing syndrome. Last evaluated: 2024-08-16. Review status: criteria provided, single submitter. Criteria: Ambry Variant Classification Scheme 2023. Collection method: clinical testing. Allele origin: germline.
Comment: The p.T1261A variant (also known as c.3781A>G), located in coding exon 15 of the APC gene, results from an A to G substitution at nucleotide position 3781. The threonine at codon 1261 is replaced by alanine, an amino acid with similar properties. This amino acid position is highly conserved in available vertebrate species. In addition, in silico predictors for this gene do not accurately predict pathogenicity. Based on the available evidence, the clinical significance of this variant remains unclear.

GeneDx
Classification: Uncertain significance. Last evaluated: 2019-08-14. Review status: criteria provided, single submitter. Criteria: GeneDx Variant Classification Process June 2021. Collection method: clinical testing. Allele origin: germline. Affected: yes.
Comment: Not observed at a significant frequency in large population cohorts (Lek 2016); In silico analysis, which includes protein predictors and evolutionary conservation, supports that this variant does not alter protein structure/function; Has not been previously published as pathogenic or benign to our knowledge

NM_000038.6(APC):c.3781A>G (p.Thr1261Ala)

Gene: APC (APC regulator of Wnt signaling pathway; plus strand). Cytogenetic location: 5q22.2.
Variant type: single nucleotide variant.
Coding change: c.3781A>G on transcript NM_000038.6 (MANE Select); coding-DNA position 3781, A replaced by G.
Protein change: p.Thr1261Ala; replaces threonine 1261 with alanine.
Molecular consequence: missense variant.
Genome position (GRCh38, 1-based): chr5:112,839,375, A>G. VCF-style: chr5-112839375-A-G. GRCh37 (hg19) VCF-style: chr5-112175072-A-G.
Other names: c.3781A>G, p.Thr1261Ala (NM_001127510.3, NM_001354895.2); c.3727A>G, p.Thr1243Ala (NM_001127511.3); c.3835A>G, p.Thr1279Ala (NM_001354896.2); c.3811A>G, p.Thr1271Ala (NM_001354897.2); c.3706A>G, p.Thr1236Ala (NM_001354898.2); c.3697A>G, p.Thr1233Ala (NM_001354899.2); c.3658A>G, p.Thr1220Ala (NM_001354900.2); c.3604A>G, p.Thr1202Ala (NM_001354901.2); and 5 more; short protein forms T1160A, T1170A, T1202A, T1220A, T1243A, T1101A, T1135A, T1261A.
Identifiers: ClinVar variation 844570 (VCV000844570.14), dbSNP rs199792739, ClinGen allele CA036676.
Genomic context (GRCh38, chr5:112,839,375, plus strand): 5'-GGTCAGCCTCAAAAGGCTGCCACTTGCAAAGTTTCTTCTATTAACCAAGAAACAATACAG[A>G]CTTATTGTGTAGAAGATACTCCAATATGTTTTTCAAGATGTAGTTCATTATCATCTTTGT-3'
Protein context (NP_000029.2, residues 1251-1271): VSSINQETIQ[Thr1261Ala]YCVEDTPICF